The following is an entry in ClinVar:

ClinVar aggregate classification (germline): Pathogenic. Review status: criteria provided, multiple submitters, no conflicts (2 of 4 stars). 5 submissions from 5 submitters: Pathogenic (5). Last evaluated 2026-05-29.

Conditions:
Polycystic kidney disease, adult type (PKD1). Also called: Polycystic Kidney Disease 1, Autosomal Dominant; Polycystic kidney disease 1; Polycystic kidney disease 1, severe; POLYCYSTIC KIDNEY DISEASE 1 WITH OR WITHOUT POLYCYSTIC LIVER DISEASE; POLYCYSTIC KIDNEY DISEASE, ADULT, TYPE I; Polycystic Kidney, Autosomal Dominant. Identifiers: MedGen C3149841, MONDO:0008263, OMIM 173900.
PKD1-related disorder. Also called: PKD1-related condition.

Submissions (5):

PreventionGenetics, part of Exact Sciences
Classification: Pathogenic for PKD1-related condition. Last evaluated: 2026-05-29. Review status: criteria provided, single submitter. Criteria: ACMG Guidelines, 2015. Collection method: clinical testing. Allele origin: germline.
Comment: The PKD1 c.10423C>T variant is predicted to result in premature protein termination (p.Gln3475*). This variant has been reported in individuals with autosomal dominant polycystic kidney disease (ADPKD) (see for example, Supp. Table S4, Audrézet et al. 2012. PubMed ID: 22508176; Bitarafan and Garshasbi. 2019. PubMed ID: 31160911). This variant has not been reported in a large population database (gnomAD), indicating this variant is rare. Nonsense variants in PKD1 are expected to be pathogenic. This variant is interpreted as pathogenic.

Women's Health and Genetics/Laboratory Corporation of America, LabCorp
Classification: Pathogenic for Polycystic kidney disease, adult type. Last evaluated: 2025-09-23. Review status: criteria provided, single submitter. Criteria: LabCorp Variant Classification Summary - May 2015. Collection method: clinical testing. Allele origin: germline.
Comment: Variant summary: PKD1 c.10423C>T (p.Gln3475X) results in a premature termination codon, predicted to cause a truncation of the encoded protein or absence of the protein due to nonsense mediated decay, which are commonly known mechanisms for disease. The variant was absent in 197836 control chromosomes (gnomAD). c.10423C>T has been observed in heterozygous state in multiple individuals affected with Polycystic Kidney Disease (e.g. Bitarafan_2019). To our knowledge, no experimental evidence demonstrating an impact on protein function has been reported. The following publication has been ascertained in the context of this evaluation (PMID: 31160911). ClinVar contains an entry for this variant (Variation ID: 3254601). Based on the evidence outlined above, the variant was classified as pathogenic.

Victorian Clinical Genetics Services, Murdoch Childrens Research Institute
Classification: Pathogenic for Polycystic kidney disease, adult type. Last evaluated: 2025-07-27. Review status: criteria provided, single submitter. Criteria: ACMG Guidelines, 2015. Collection method: clinical testing. Allele origin: germline. Affected: yes.
Comment: This variant is classified as Pathogenic. Evidence in support of pathogenic classification: Variant is predicted to cause nonsense-mediated decay (NMD) and loss of protein (premature termination codon is located at least 54 nucleotides upstream of the final exon-exon junction); Variant is absent from gnomAD (v2, v3 and v4); This variant has moderate previous evidence of pathogenicity in unrelated individuals. This variant has been observed in at least three families with polycystic kidney disease (PKDB, PMID: 22508176, 31160911); Other NMD predicted variants comparable to the one identified in this case have very strong previous evidence for pathogenicity (DECIPHER). Additional information: This variant is heterozygous; This gene is associated with autosomal dominant disease. Polycystic kidney disease 1 (MIM#173900) is predominantly caused by monoallelic variants, with rare reports of biallelic variants causing disease (OMIM); Loss of function is a known mechanism of disease in this gene and is associated with polycystic kidney disease 1 (MIM#173900); Inheritance information for this variant is not currently available in this individual.

GeneDx
Classification: Pathogenic. Last evaluated: 2023-01-24. Review status: criteria provided, single submitter. Criteria: GeneDx Variant Classification Process June 2021. Collection method: clinical testing. Allele origin: germline. Affected: yes.
Comment: Identified in several individuals with polycystic kidney disease in the published literature (PMID: 10987650, 31160911); Nonsense variant predicted to result in protein truncation or nonsense mediated decay in a gene for which loss of function is a known mechanism of disease; Not observed at significant frequency in large population cohorts (gnomAD); This variant is associated with the following publications: (PMID: 25525159, 22508176, 31160911, 10987650)

Blueprint Genetics
Classification: Pathogenic for PKD1-related disorders. Last evaluated: 2020-09-21. Review status: criteria provided, single submitter. Criteria: ACMG Guidelines, 2015. Collection method: clinical testing. Allele origin: germline. Affected: yes. Observed: 1 variant allele.

Literature cited by the submitters: PubMed 31160911 (cited by Women's Health and Genetics/Laboratory Corporation of America, LabCorp and Victorian Clinical Genetics Services, Murdoch Childrens Research Institute); PubMed 22508176 (cited by Victorian Clinical Genetics Services, Murdoch Childrens Research Institute).

NM_001009944.3(PKD1):c.10423C>T (p.Gln3475Ter)

Gene: PKD1 (polycystin 1, transient receptor potential channel interacting; minus strand). Cytogenetic location: 16p13.3.
Variant type: single nucleotide variant.
Coding change: c.10423C>T on transcript NM_001009944.3 (MANE Select); coding-DNA position 10423, C replaced by T.
Protein change: p.Gln3475Ter; replaces glutamine 3475 with a stop codon.
Molecular consequence: nonsense.
Genome position (GRCh38, 1-based): chr16:2,097,224, G>A on the plus strand (C>T on the coding strand, the complement: PKD1 is on the minus strand). VCF-style: chr16-2097224-G-A. GRCh37 (hg19) VCF-style: chr16-2147225-G-A.
Other names: c.10420C>T, p.Gln3474Ter (NM_000296.4); short protein forms Q3474*, Q3475*.
Identifiers: ClinVar variation 3254601 (VCV003254601.7), dbSNP rs2544685880.